The following is an entry in ClinVar:

NM_213599.3(ANO5):c.2141C>G (p.Thr714Ser)

Gene: ANO5 (anoctamin 5; plus strand). Cytogenetic location: 11p14.3.
Variant type: single nucleotide variant.
Coding change: c.2141C>G on transcript NM_213599.3 (MANE Select); coding-DNA position 2141, C replaced by G.
Protein change: p.Thr714Ser; replaces threonine 714 with serine.
Molecular consequence: missense variant.
Genome position (GRCh38, 1-based): chr11:22,272,895, C>G. VCF-style: chr11-22272895-C-G. GRCh37 (hg19) VCF-style: chr11-22294441-C-G.
Other names: p.Thr714Ser; c.2138C>G, p.Thr713Ser (NM_001142649.2); short protein forms T714S, T713S.
Identifiers: ClinVar variation 195004 (VCV000195004.74), dbSNP rs200631556, ClinGen allele CA241255.

ClinVar aggregate classification (germline): Conflicting classifications of pathogenicity. Review status: criteria provided, conflicting classifications (1 of 4 stars). 14 submissions from 14 submitters: Likely pathogenic (1); Uncertain significance (12); Likely benign (1). Last evaluated 2026-01-18.

Conditions:
Gnathodiaphyseal dysplasia (GDD). Also called: GNATHODIAPHYSEAL SCLEROSIS; OSTEOGENESIS IMPERFECTA WITH UNUSUAL SKELETAL LESIONS. Identifiers: Orphanet 53697, MedGen C1833736, MONDO:0008151, OMIM 166260.
Autosomal recessive limb-girdle muscular dystrophy type 2L (LGMDR12). Also called: MUSCULAR DYSTROPHY, LIMB-GIRDLE, AUTOSOMAL RECESSIVE 12; Limb-Girdle Muscular Dystrophy R12 Anoctamin-5-Related (LGMD-R12); Limb-girdle muscular dystrophy, type 2L. Identifiers: Orphanet 206549, MedGen C1969785, MONDO:0012652, OMIM 611307.
ANO5-Related Muscle Diseases. Identifiers: MedGen CN180644.

Allele frequency attached by ClinVar (database versions not stated): 1000 Genomes Project 0.00020; 1000 Genomes Project 30x 0.00031; ESP Exome Variant Server 0.00054; ExAC 0.00075; gnomAD exomes 0.00077 and 0.00089; TOPMed 0.00085; gnomAD 0.00087 and 0.00090.
gnomAD v4.1: 1,271 of 1,614,064 alleles (0.079%); highest among the groups gnomAD compares: Middle Eastern, 0.54%; 4 homozygotes.

Submissions (14):

Labcorp Genetics (formerly Invitae), Labcorp
Classification: Likely benign for Autosomal recessive limb-girdle muscular dystrophy type 2L; Gnathodiaphyseal dysplasia. Last evaluated: 2026-01-18. Review status: criteria provided, single submitter. Criteria: Invitae Variant Classification Sherloc (09022015). Collection method: clinical testing. Allele origin: germline.

Women's Health and Genetics/Laboratory Corporation of America, LabCorp
Classification: Uncertain significance. Last evaluated: 2025-12-03. Review status: criteria provided, single submitter. Criteria: LabCorp Variant Classification Summary - May 2015. Collection method: clinical testing. Allele origin: germline.
Comment: Variant summary: ANO5 c.2141C>G (p.Thr714Ser) results in a conservative amino acid change in the encoded protein sequence. Algorithms developed to predict the effect of missense changes on protein structure and function are either unavailable or do not agree on the potential impact of this missense change. The variant allele was found at a frequency of 0.00089 in 251442 control chromosomes, predominantly at a frequency of 0.0013 within the South Asian subpopulation in the gnomAD database, including at least 1 homozygote. Additional homozygous controls were observed in gnomAD v4. The observed variant frequency within South Asian control individuals in the gnomAD database exceeds the estimated maximal expected allele frequency for disease-causing variants in ANO5. c.2141C>G has been observed in the presumed or confirmed compound heterozygous state multiple individual(s) affected with clinical features of Autosomal recessive limb-girdle muscular dystrophy type 2L or in the simple heterozygous state in multiple individuals with neuromuscular phenotypes (example, Zidkova_2023, Krenn_2022, Nallamilli_2018, Gemelli_2022, Penttila_2012, Gonzalez-Quereda_2020, Mahajan_2022). No segregation with disease has been reported within families as of this review, and none of the aforementioned individuals had any strong evidence for causality. These report(s) do not provide unequivocal conclusions about association of the variant with ANO5-related conditions. To our knowledge, no experimental evidence demonstrating an impact on protein function has been reported. The following publications have been ascertained in the context of this evaluation (PMID: 26667038, 37526466, 35239206, 30554457, 22742934, 30564623, 25891276, 34426522, 37510298, 27884173, 34687219, 33023636, 23047743, 22402862, 32403337, 25898921, 39678382, 30715372, 36352632). ClinVar contains an entry for this variant (Variation ID: 195004). Based on the evidence outlined above, the variant was classified as VUS-possibly benign.

CeGaT Center for Human Genetics Tuebingen
Classification: Uncertain significance. Last evaluated: 2025-12-01. Review status: criteria provided, single submitter. Criteria: CeGaT Center For Human Genetics Tuebingen Variant Classification Criteria Version 2. Collection method: clinical testing. Allele origin: germline. Affected: yes. Observed: 8 variant alleles.
Comment: ANO5: PM3:Strong, PM2:Supporting

Athena Diagnostics
Classification: Uncertain significance. Last evaluated: 2025-10-23. Review status: criteria provided, single submitter. Criteria: Athena Diagnostics Criteria. Collection method: clinical testing. Allele origin: unknown.
Comment: Available data are insufficient to determine the clinical significance of the variant at this time. The frequency of this variant in the general population is uninformative in assessment of its pathogenicity. In multiple individuals with autosomal recessive limb-girdle muscular dystrophy, this variant has been seen with a single recessive pathogenic variant in the same gene, suggesting this variant may also be pathogenic. Polyphen and MutationTaster yielded discordant predictions regarding whether this amino acid change is damaging to the protein.

Mayo Clinic Laboratories, Mayo Clinic
Classification: Uncertain significance. Last evaluated: 2025-10-22. Review status: criteria provided, single submitter. Criteria: ACMG Guidelines, 2015. Collection method: clinical testing. Allele origin: germline. Observed: 2 variant alleles.
Comment: PM3, PS4_moderate

GeneDx
Classification: Uncertain significance. Last evaluated: 2025-07-29. Review status: criteria provided, single submitter. Criteria: GeneDx Variant Classification Process June 2021. Collection method: clinical testing. Allele origin: germline. Affected: yes.
Comment: Reported previously in individuals with muscular dystrophy, suspected LGMD, and/or unspecified neuromuscular disorder with myopathic changes on biopsy who harbored another ANO5 pathogenic variant; however, segregation analysis was not provided and functional characterization of the variant was not performed (PMID: 22402862, 30564623, 32403337); Reported previously in individuals with limb-girdle muscular dystrophy, suspected limb-girdle muscular dystrophy, and Miyoshi myopathy who were heterozygous for this change and did not have another identifiable ANO5 pathogenic variant; however, additional clinical information was not provided and functional characterization of the variant was not completed (PMID: 25891276, 30564623, 36352632); In silico analysis supports that this missense variant has a deleterious effect on protein structure/function; This variant is associated with the following publications: (PMID: 23047743, 34426522, 33023636, 30564623, 32403337, 22402862, 25891276, Schiava2022[casereport], 36913258, 35239206, 36352632, 37526466, 27884173, Ate2025[ConferencePaper])

Revvity Omics, Revvity
Classification: Uncertain significance. Last evaluated: 2025-01-27. Review status: criteria provided, single submitter. Criteria: ACMG Guidelines, 2015. Collection method: clinical testing. Allele origin: germline.

Blueprint Genetics
Classification: Uncertain significance. Last evaluated: 2024-11-05. Review status: criteria provided, single submitter. Criteria: ACMG Guidelines, 2015. Collection method: clinical testing. Allele origin: germline.

ARUP Laboratories, Molecular Genetics and Genomics, ARUP Laboratories
Classification: Uncertain significance. Last evaluated: 2023-11-07. Review status: criteria provided, single submitter. Criteria: ARUP Molecular Germline Variant Investigation Process 2024. Collection method: clinical testing. Allele origin: germline.
Comment: The ANO5 c.2141C>G; p.Thr714Ser variant (rs200631556) is reported in the literature in multiple individuals affected with limb girdle muscular dystrophy and unspecified neuromuscular disorders; however, it is only rarely found with a second pathogenic ANO5 variant (Gonzalez-Quereda 2020, Nallamilli 2018, Savarese 2015). This variant is also reported in ClinVar (Variation ID: 195004) and is found in the general population with an overall allele frequency of 0.09% (250/282,842 alleles, including 1 homozygote) in the Genome Aggregation Database. Computational analyses are uncertain whether this variant is neutral or deleterious (REVEL: 0.498). Due to limited information, the clinical significance of this variant is uncertain at this time. References: Gonzalez-Quereda L et al. Targeted Next-Generation Sequencing in a Large Cohort of Genetically Undiagnosed Patients with Neuromuscular Disorders in Spain. Genes (Basel). 2020 May 11;11(5):539. PMID: 32403337. Nallamilli BRR et al. Genetic landscape and novel disease mechanisms from a large LGMD cohort of 4656 patients. Ann Clin Transl Neurol. 2018 Dec 1;5(12):1574-1587. PMID: 30564623. Savarese M et al. Next generation sequencing on patients with LGMD and nonspecific myopathies: Findings associated with ANO5 mutations. Neuromuscul Disord. 2015 Jul;25(7):533-41. PMID: 25891276.

MGZ Medical Genetics Center
Classification: Uncertain significance for Autosomal recessive limb-girdle muscular dystrophy type 2L. Last evaluated: 2022-03-17. Review status: criteria provided, single submitter. Criteria: ACMG Guidelines, 2015. Collection method: clinical testing. Allele origin: germline. Affected: yes. Observed: 1 variant allele.
Comment: ACMG criteria applied: PM3, BP4

Mendelics
Classification: Uncertain significance for Gnathodiaphyseal dysplasia. Last evaluated: 2019-05-28. Review status: criteria provided, single submitter. Criteria: Mendelics Assertion Criteria 2017. Collection method: clinical testing. Allele origin: unknown.

Eurofins Ntd Llc (ga)
Classification: Uncertain significance. Last evaluated: 2018-09-12. Review status: criteria provided, single submitter. Criteria: EGL ClinVar v180209 classification definitions. Collection method: clinical testing. Allele origin: germline. Observed: 25 variant alleles, 25 heterozygotes.

Illumina Laboratory Services, Illumina
Classification: Uncertain significance for ANO5-Related Muscle Diseases. Last evaluated: 2017-04-27. Review status: criteria provided, single submitter. Criteria: ICSL Variant Classification Criteria 13 December 2019. Collection method: clinical testing. Allele origin: germline.

Clinical Genetics Service, Universitary Hospital 12 de Octubre
Classification: Likely pathogenic for Autosomal recessive limb-girdle muscular dystrophy type 2L. Review status: criteria provided, single submitter. Criteria: ACMG Guidelines, 2015. Collection method: clinical testing. Allele origin: germline. Affected: yes.

Literature cited by the submitters: PubMed 27884173 (cited by 3 submitters); PubMed 30564623 (cited by 3 submitters); PubMed 33023636 (cited by 3 submitters); PubMed 25898921 (cited by Women's Health and Genetics/Laboratory Corporation of America, LabCorp); PubMed 34426522 (cited by Women's Health and Genetics/Laboratory Corporation of America, LabCorp and Mayo Clinic Laboratories, Mayo Clinic); PubMed 25891276 (cited by 4 submitters); PubMed 32403337 (cited by 3 submitters); PubMed 35239206 (cited by 3 submitters); PubMed 37526466 (cited by Women's Health and Genetics/Laboratory Corporation of America, LabCorp and Athena Diagnostics); PubMed 22402862 (cited by 4 submitters); PubMed 37510298 (cited by Women's Health and Genetics/Laboratory Corporation of America, LabCorp); PubMed 34687219 (cited by Women's Health and Genetics/Laboratory Corporation of America, LabCorp); PubMed 22742934 (cited by Women's Health and Genetics/Laboratory Corporation of America, LabCorp); PubMed 39678382 (cited by Women's Health and Genetics/Laboratory Corporation of America, LabCorp and Mayo Clinic Laboratories, Mayo Clinic); PubMed 26667038 (cited by Women's Health and Genetics/Laboratory Corporation of America, LabCorp); PubMed 30715372 (cited by Women's Health and Genetics/Laboratory Corporation of America, LabCorp); PubMed 23047743 (cited by Women's Health and Genetics/Laboratory Corporation of America, LabCorp); PubMed 30554457 (cited by Women's Health and Genetics/Laboratory Corporation of America, LabCorp); PubMed 36352632 (cited by 3 submitters); PubMed 36913258 (cited by Athena Diagnostics and Mayo Clinic Laboratories, Mayo Clinic); PubMed 28781516 (cited by Athena Diagnostics).